The following is an entry in ClinVar:

ClinVar aggregate classification (germline): Uncertain significance. Review status: criteria provided, multiple submitters, no conflicts (2 of 4 stars). 2 submissions from 2 submitters: Uncertain significance (2). Last evaluated 2025-06-29.

Conditions:
Inborn genetic diseases. Identifiers: MedGen C0950123, MeSH D030342.

Allele frequency attached by ClinVar (database versions not stated): gnomAD 0.00002; gnomAD exomes 0.00002; ExAC 0.00006.
gnomAD v4.1: 36 of 1,613,792 alleles (0.0022%); highest among the groups gnomAD compares: South Asian, 0.023%; no homozygotes.

Submissions (2):

Ambry Genetics
Classification: Uncertain significance for Inborn genetic diseases. Last evaluated: 2025-06-29. Review status: criteria provided, single submitter. Criteria: Ambry Variant Classification Scheme 2023. Collection method: clinical testing. Allele origin: germline.

Labcorp Genetics (formerly Invitae), Labcorp
Classification: Uncertain significance. Last evaluated: 2022-08-21. Review status: criteria provided, single submitter. Criteria: Invitae Variant Classification Sherloc (09022015). Collection method: clinical testing. Allele origin: germline.
Comment: This sequence change replaces arginine, which is basic and polar, with histidine, which is basic and polar, at codon 63 of the C9 protein (p.Arg63His). In summary, the available evidence is currently insufficient to determine the role of this variant in disease. Therefore, it has been classified as a Variant of Uncertain Significance. Algorithms developed to predict the effect of missense changes on protein structure and function are either unavailable or do not agree on the potential impact of this missense change (SIFT: "Not Available"; PolyPhen-2: "Probably Damaging"; Align-GVGD: "Not Available"). This variant has not been reported in the literature in individuals affected with C9-related conditions. This variant is present in population databases (rs780081408, gnomAD 0.02%).

NM_001737.5(C9):c.188G>A (p.Arg63His)

Gene: C9 (complement C9; minus strand). Cytogenetic location: 5p13.1.
Variant type: single nucleotide variant.
Coding change: c.188G>A on transcript NM_001737.5 (MANE Select); coding-DNA position 188, G replaced by A.
Protein change: p.Arg63His; replaces arginine 63 with histidine.
Molecular consequence: missense variant.
Genome position (GRCh38, 1-based): chr5:39,341,696, C>T on the plus strand (G>A on the coding strand, the complement: C9 is on the minus strand). VCF-style: chr5-39341696-C-T. GRCh37 (hg19) VCF-style: chr5-39341798-C-T.
Other names: short protein forms R63H.
Identifiers: ClinVar variation 2428353 (VCV002428353.7), dbSNP rs780081408, ClinGen allele CA3247094.